The following is an entry in ClinVar:

ClinVar aggregate classification (germline): Benign/Likely benign. Review status: criteria provided, multiple submitters, no conflicts (2 of 4 stars). 4 submissions from 4 submitters: Benign (2); Likely benign (2). Last evaluated 2026-01-28.

Conditions:
LOXHD1-related disorder. Also called: LOXHD1-related condition.

Allele frequency attached by ClinVar (database versions not stated): gnomAD 0.00002 and 0.00023; TOPMed 0.00005; gnomAD exomes 0.00087; ExAC 0.00222; 1000 Genomes Project 30x 0.00234; 1000 Genomes Project 0.00240.
gnomAD v4.1: 501 of 1,551,742 alleles (0.032%); highest among the groups gnomAD compares: South Asian, 0.57%; 8 homozygotes.

Submissions (4):

Labcorp Genetics (formerly Invitae), Labcorp
Classification: Benign. Last evaluated: 2026-01-28. Review status: criteria provided, single submitter. Criteria: Invitae Variant Classification Sherloc (09022015). Collection method: clinical testing. Allele origin: germline.

PreventionGenetics, part of Exact Sciences
Classification: Benign for LOXHD1-related condition. Last evaluated: 2024-11-05. Review status: criteria provided, single submitter. Criteria: ACMG Guidelines, 2015. Collection method: clinical testing. Allele origin: germline.
Comment: This variant is classified as benign based on ACMG/AMP sequence variant interpretation guidelines (Richards et al. 2015 PMID: 25741868, with internal and published modifications).

Blueprint Genetics
Classification: Likely benign. Last evaluated: 2024-10-25. Review status: criteria provided, single submitter. Criteria: ACMG Guidelines, 2015. Collection method: clinical testing. Allele origin: germline.

Laboratory for Molecular Medicine, Mass General Brigham Personalized Medicine
Classification: Likely benign. Last evaluated: 2013-02-07. Review status: criteria provided, single submitter. Criteria: LMM Criteria. Collection method: clinical testing. Allele origin: germline. Observed: 1 variant allele.
Comment: Cys1560Cys in exont 30 of LOXHD1: This variant is not expected to have clinical significance because it does not alter an amino acid residue and it is not locat ed within the splice consensus sequence.

NM_001384474.1(LOXHD1):c.4680C>T (p.Cys1560=)

Gene: LOXHD1 (lipoxygenase homology PLAT domains 1; minus strand). Cytogenetic location: 18q21.1.
Variant type: single nucleotide variant.
Coding change: c.4680C>T on transcript NM_001384474.1 (MANE Select); coding-DNA position 4680, C replaced by T.
Protein change: p.Cys1560=; no amino-acid change (cysteine 1560 retained).
Molecular consequence: synonymous variant.
Genome position (GRCh38, 1-based): chr18:46,524,768, G>A on the plus strand (C>T on the coding strand, the complement: LOXHD1 is on the minus strand). VCF-style: chr18-46524768-G-A. GRCh37 (hg19) VCF-style: chr18-44104731-G-A.
Other names: c.1347C>T, p.Cys449= (NM_001145472.3); c.1059C>T, p.Cys353= (NM_001308013.2); c.4680C>T, p.Cys1560= (NM_144612.7).
Identifiers: ClinVar variation 47939 (VCV000047939.17), dbSNP rs397517863, ClinGen allele CA142224.